The following is an entry in ClinVar:

NM_001127644.2(GABRA1):c.703+9G>T

Gene: GABRA1 (gamma-aminobutyric acid type A receptor subunit alpha1; plus strand). Cytogenetic location: 5q34.
Variant type: single nucleotide variant.
Coding change: c.703+9G>T on transcript NM_001127644.2 (MANE Select); 9 bases into the intron after coding-DNA position 703, G replaced by T.
Molecular consequence: intron variant.
Genome position (GRCh38, 1-based): chr5:161,882,710, G>T. VCF-style: chr5-161882710-G-T. GRCh37 (hg19) VCF-style: chr5-161309716-G-T.
Other names: c.703+9G>T (NM_000806.5, NM_001127643.2, NM_001127645.2 and 1 more transcripts).
Identifiers: ClinVar variation 511780 (VCV000511780.1), dbSNP rs768499906, ClinGen allele CA658796678.

ClinVar aggregate classification (germline): Likely benign (1 of 4 stars; one submission).

gnomAD v4.1: 2 of 1,611,978 alleles (0.00012%); highest among the groups gnomAD compares: Non-Finnish European, 0.00017%; no homozygotes.

Submission:

GeneDx
Classification: Likely benign. Last evaluated: 2017-08-28. Review status: criteria provided, single submitter. Criteria: GeneDx Variant Classification (06012015). Collection method: clinical testing. Allele origin: germline. Affected: yes.
Comment: This variant is considered likely benign or benign based on one or more of the following criteria: it is a conservative change, it occurs at a poorly conserved position in the protein, it is predicted to be benign by multiple in silico algorithms, and/or has population frequency not consistent with disease.